The following is an entry in ClinVar:

NM_000133.4(F9):c.1361T>C (p.Ile454Thr)

Gene: F9 (coagulation factor IX; plus strand). Cytogenetic location: Xq27.1.
Variant type: single nucleotide variant.
Coding change: c.1361T>C on transcript NM_000133.4 (MANE Select); coding-DNA position 1361, T replaced by C.
Protein change: p.Ile454Thr; replaces isoleucine 454 with threonine.
Molecular consequence: missense variant.
Genome position (GRCh38, 1-based): chrX:139,562,046, T>C. VCF-style: chrX-139562046-T-C. GRCh37 (hg19) VCF-style: chrX-138644205-T-C.
Other names: c.1247T>C, p.Ile416Thr (NM_001313913.2); short protein forms I416T, I454T.
Identifiers: ClinVar variation 810865 (VCV000810865.8), dbSNP rs1603267486, ClinGen allele CA414447553.

ClinVar aggregate classification (germline): Pathogenic (1 of 4 stars; one submission).

Submission:

ARUP Laboratories, Molecular Genetics and Genomics, ARUP Laboratories
Classification: Pathogenic. Last evaluated: 2019-03-01. Review status: criteria provided, single submitter. Criteria: ARUP Molecular Germline Variant Investigation Process. Collection method: clinical testing. Allele origin: germline.
Comment: The F9 c.1361T>C; p.Ile454Thr variant, also known as p.Ile408Thr in alternative nomenclature, is reported in the literature in multiple individuals affected with moderate to severe hemophilia B (David 1998, Factor IX Database). Clotting activity in affected individuals has been reported at 1% of wildtype or below (David 1998, Factor IX Database). This variant is absent from general population databases (Exome Variant Server, Genome Aggregation Database), indicating it is not a common polymorphism. The isoleucine at codon 454 is highly conserved and computational analyses (SIFT, PolyPhen-2) predict that this variant is deleterious. Additionally, other amino acid substitutions at this codon (p.Ile454Phe, p.Ile454Asn) have been reported in individuals with hemophilia B and are considered pathogenic (Belvini 2005, Rydz 2013). Based on available information, the p.Ile454Thr variant is considered to be pathogenic. References: Factor IX Database: Belvini D et al. Molecular genotyping of the Italian cohort of patients with hemophilia B. Haematologica. 2005 May;90(5):635-42. David D et al. Five novel factor IX mutations in unrelated hemophilia B patients. Hum Mutat. 1998;Suppl 1:S301-3. Rydz N et al. The Canadian National Program for hemophilia mutation testing" database: a ten-year review. Am J Hematol. 2013 Dec;88(12):1030-4. "